The following is an entry in ClinVar:

NM_000031.6(ALAD):c.168T>C (p.Tyr56=)

Gene: ALAD (aminolevulinate dehydratase; minus strand). Cytogenetic location: 9q32.
Variant type: single nucleotide variant.
Coding change: c.168T>C on transcript NM_000031.6 (MANE Select); coding-DNA position 168, T replaced by C.
Protein change: p.Tyr56=; no amino-acid change (tyrosine 56 retained).
Molecular consequence: synonymous variant.
Genome position (GRCh38, 1-based): chr9:113,391,620, A>G on the plus strand (T>C on the coding strand, the complement: ALAD is on the minus strand). VCF-style: chr9-113391620-A-G. GRCh37 (hg19) VCF-style: chr9-116153900-A-G.
Other names: p.Tyr56=; c.255T>C, p.Tyr85= (NM_001003945.3); c.144T>C, p.Tyr48= (NM_001317745.2).
Identifiers: ClinVar variation 364653 (VCV000364653.18), dbSNP rs1139488, ClinGen allele CA5196579.

ClinVar aggregate classification (germline): Benign. Review status: criteria provided, multiple submitters, no conflicts (2 of 4 stars). 8 submissions from 8 submitters: Benign (6). 2 of the submissions do not count toward it. Last evaluated 2026-02-04.

Conditions:
Porphobilinogen synthase deficiency. Also called: ALAD DEFICIENCY; DELTA-AMINOLEVULINATE DEHYDRATASE DEFICIENCY; DOSS PORPHYRIA; PORPHYRIA, ALAD; Porphyria due to ALA dehydratase deficiency. Identifiers: Orphanet 100924, MedGen C0268328, MONDO:0013000, OMIM 612740.

Allele frequency attached by ClinVar (database versions not stated): gnomAD 0.35801 and 0.35967; 1000 Genomes Project 30x 0.34572; gnomAD exomes 0.34686 and 0.36418; TOPMed 0.34828; ESP Exome Variant Server 0.35422; ExAC 0.34926; 1000 Genomes Project 0.35224.
gnomAD v4.1: 584,575 of 1,610,778 alleles (36%); highest among the groups gnomAD compares: East Asian, 43%; 108,416 homozygotes.

Submissions (8):

Labcorp Genetics (formerly Invitae), Labcorp
Classification: Benign. Last evaluated: 2026-02-04. Review status: criteria provided, single submitter. Criteria: Invitae Variant Classification Sherloc (09022015). Collection method: clinical testing. Allele origin: germline.

Blueprint Genetics
Classification: Benign. Last evaluated: 2024-11-27. Review status: criteria provided, single submitter. Criteria: ACMG Guidelines, 2015. Collection method: clinical testing. Allele origin: germline.

Mayo Clinic Laboratories, Mayo Clinic
Classification: Benign. Last evaluated: 2022-04-17. Review status: criteria provided, single submitter. Criteria: ACMG Guidelines, 2015. Collection method: clinical testing. Allele origin: germline. Observed: 363 variant alleles.

GeneDx
Classification: Benign. Last evaluated: 2018-11-10. Review status: criteria provided, single submitter. Criteria: GeneDx Variant Classification Process June 2021. Collection method: clinical testing. Allele origin: germline. Affected: yes.

Illumina Laboratory Services, Illumina
Classification: Benign for Porphobilinogen synthase deficiency. Last evaluated: 2018-01-12. Review status: criteria provided, single submitter. Criteria: ICSL Variant Classification Criteria 13 December 2019. Collection method: clinical testing. Allele origin: germline.
Comment: This variant was observed in the ICSL laboratory as part of a predisposition screen in an ostensibly healthy population. It had not been previously curated by ICSL or reported in the Human Gene Mutation Database (HGMD: prior to June 1st, 2018), and was therefore a candidate for classification through an automated scoring system. Utilizing variant allele frequency, disease prevalence and penetrance estimates, and inheritance mode, an automated score was calculated to assess if this variant is too frequent to cause the disease. Based on the score and internal cut-off values, a variant classified as benign is not then subjected to further curation. The score for this variant resulted in a classification of benign for this disease.

Breakthrough Genomics
Classification: Benign. Review status: criteria provided, single submitter. Criteria: ACMG Guidelines, 2015. Collection method: not provided. Allele origin: germline. Inheritance: Autosomal recessive inheritance. Affected: yes.

Clinical Genetics, Academic Medical Center
Classification: Benign. Review status: no assertion criteria provided. Collection method: clinical testing. Allele origin: germline. Affected: yes. Study: VKGL Data-share Consensus. Not counted in ClinVar's aggregate classification.

Diagnostic Laboratory, Department of Genetics, University Medical Center Groningen
Classification: Benign for Porphobilinogen synthase deficiency. Review status: no assertion criteria provided. Collection method: clinical testing. Allele origin: germline. Affected: yes. Study: VKGL Data-share Consensus. Not counted in ClinVar's aggregate classification.